The following is an entry in ClinVar:

NM_178170.3(NEK8):c.736C>T (p.Arg246Trp)

Gene: NEK8 (NIMA related kinase 8; plus strand). Cytogenetic location: 17q11.2.
Variant type: single nucleotide variant.
Coding change: c.736C>T on transcript NM_178170.3 (MANE Select); coding-DNA position 736, C replaced by T.
Protein change: p.Arg246Trp; replaces arginine 246 with tryptophan.
Molecular consequence: missense variant.
Genome position (GRCh38, 1-based): chr17:28,737,423, C>T. VCF-style: chr17-28737423-C-T. GRCh37 (hg19) VCF-style: chr17-27064441-C-T.
Other names: c.736C>T (NM_178170.2); short protein forms R246W.
Identifiers: ClinVar variation 3622944 (VCV003622944.4).

ClinVar aggregate classification (germline): Uncertain significance. Review status: criteria provided, multiple submitters, no conflicts (2 of 4 stars). 3 submissions from 3 submitters: Uncertain significance (3). Last evaluated 2025-11-18.

Conditions:
Nephronophthisis 9 (NPHP9). Identifiers: Orphanet 655, MedGen C3151188, MONDO:0013444, OMIM 613824.
NEK8-related disorder. Also called: NEK8-related condition.

Submissions (3):

Dasa
Classification: Uncertain significance for Nephronophthisis 9. Last evaluated: 2025-11-18. Review status: criteria provided, single submitter. Criteria: DASA Assertion Criteria. Collection method: clinical testing. Allele origin: germline.
Comment: NM_178170.3(NEK8):c.736C>T (p.Arg246Trp) is a missense variant that results in the substitution of arginine with tryptophan. This variant is rare in population databases. Computational prediction algorithms are consistent with a deleterious effect. The currently available literature and clinical evidence are not sufficient to establish a definitive association between this variant and the reported condition. Therefore, this variant is classified as a variant of uncertain significance.

PreventionGenetics, part of Exact Sciences
Classification: Uncertain significance for NEK8-related condition. Last evaluated: 2025-02-24. Review status: criteria provided, single submitter. Criteria: ACMG Guidelines, 2015. Collection method: clinical testing. Allele origin: germline.
Comment: The NEK8 c.736C>T variant is predicted to result in the amino acid substitution p.Arg246Trp. To our knowledge, this variant has not been reported in the literature. This variant is reported in 0.0054% of alleles in individuals of East Asian descent in gnomAD. At this time, the clinical significance of this variant is uncertain due to the absence of conclusive functional and genetic evidence.

Labcorp Genetics (formerly Invitae), Labcorp
Classification: Uncertain significance for Nephronophthisis 9. Last evaluated: 2024-10-20. Review status: criteria provided, single submitter. Criteria: Invitae Variant Classification Sherloc (09022015). Collection method: clinical testing. Allele origin: germline.
Comment: This sequence change replaces arginine, which is basic and polar, with tryptophan, which is neutral and slightly polar, at codon 246 of the NEK8 protein (p.Arg246Trp). This variant is present in population databases (no rsID available, gnomAD 0.006%). This variant has not been reported in the literature in individuals affected with NEK8-related conditions. An algorithm developed to predict the effect of missense changes on protein structure and function (PolyPhen-2) suggests that this variant is likely to be disruptive. In summary, the available evidence is currently insufficient to determine the role of this variant in disease. Therefore, it has been classified as a Variant of Uncertain Significance.